The following is an entry in ClinVar:

NM_199242.3(UNC13D):c.3016_3021del (p.Tyr1006_Asp1007del)

Gene: UNC13D (unc-13 homolog D; minus strand). Cytogenetic location: 17q25.1.
Variant type: Deletion.
Coding change: c.3016_3021del on transcript NM_199242.3 (MANE Select); coding-DNA positions 3016 to 3021, 6 bases deleted (TACGAC; older notation c.3016_3021delTACGAC).
Protein change: p.Tyr1006_Asp1007del.
Molecular consequence: inframe deletion. On other transcripts: inframe indel (1).
Genome position (GRCh38, 1-based): chr17:75,828,917-75,828,922, GTCGTA deleted on the plus strand (TACGAC on the coding strand, the reverse complement: UNC13D is on the minus strand); deleting any 6 consecutive bases within chr17:75,828,917-75,828,925 gives the same sequence; the c. name uses the placement nearest the transcript's 3' end. VCF-style (leftmost placement, unchanged base first): chr17-75828916-TGTCGTA-T. GRCh37 (hg19) VCF-style: chr17-73824997-TGTCGTA-T.
Other names: c.3013_3018delGACTAC, p.Tyr1006_Asp1007del (NM_199242.2).
Identifiers: ClinVar variation 4075721 (VCV004075721.1).

ClinVar aggregate classification (germline): Uncertain significance (1 of 4 stars; one submission).

Submission:

GeneDx
Classification: Uncertain significance. Last evaluated: 2025-02-17. Review status: criteria provided, single submitter. Criteria: GeneDx Variant Classification Process June 2021. Collection method: clinical testing. Allele origin: germline. Affected: yes.
Comment: Not observed at significant frequency in large population cohorts (gnomAD); In-frame deletion of 2 amino acids in a non-repeat region; In silico analysis supports a deleterious effect on protein structure/function; Has not been previously published as pathogenic or benign to our knowledge